The following is an entry in ClinVar:

NM_020975.6(RET):c.1283A>G (p.Glu428Gly)

Gene: RET (ret proto-oncogene; plus strand). Cytogenetic location: 10q11.21.
Variant type: single nucleotide variant.
Coding change: c.1283A>G on transcript NM_020975.6 (MANE Select); coding-DNA position 1283, A replaced by G.
Protein change: p.Glu428Gly; replaces glutamic acid 428 with glycine.
Molecular consequence: missense variant.
Genome position (GRCh38, 1-based): chr10:43,111,226, A>G. VCF-style: chr10-43111226-A-G. GRCh37 (hg19) VCF-style: chr10-43606674-A-G.
Other names: c.1283A>G, p.Glu428Gly (NM_000323.2, NM_001406743.1, NM_001406744.1 and 6 more transcripts); c.521A>G, p.Glu174Gly (NM_001355216.2); c.1154A>G, p.Glu385Gly (NM_001406761.1, NM_001406762.1, NM_001406764.1 and 1 more transcripts); c.995A>G, p.Glu332Gly (NM_001406766.1, NM_001406767.1, NM_001406770.1); c.887A>G, p.Glu296Gly (NM_001406769.1, NM_001406772.1); c.845A>G, p.Glu282Gly (NM_001406771.1, NM_001406773.1); c.758A>G, p.Glu253Gly (NM_001406774.1); c.557A>G, p.Glu186Gly (NM_001406775.1, NM_001406776.1, NM_001406777.1 and 1 more transcripts); and 1 more; short protein forms E174G, E428G, E282G, E98G, E253G, E296G, E385G, E332G.
Identifiers: ClinVar variation 1464954 (VCV001464954.9), dbSNP rs2132766146, ClinGen allele CA376548876.

ClinVar aggregate classification (germline): Uncertain significance (1 of 4 stars; one submission).

Conditions:
Multiple endocrine neoplasia, type 2 (MEN2). Identifiers: Orphanet 653, MedGen C4048306, MONDO:0019003. Disease mechanism: gain of function.

Submission:

Labcorp Genetics (formerly Invitae), Labcorp
Classification: Uncertain significance for Multiple endocrine neoplasia, type 2. Last evaluated: 2020-11-25. Review status: criteria provided, single submitter. Criteria: Invitae Variant Classification Sherloc (09022015). Collection method: clinical testing. Allele origin: germline.
Comment: Algorithms developed to predict the effect of missense changes on protein structure and function are either unavailable or do not agree on the potential impact of this missense change (SIFT: "Deleterious"; PolyPhen-2: "Probably Damaging"; Align-GVGD: "Class C15"). This variant has not been reported in the literature in individuals with RET-related conditions. This variant is not present in population databases (ExAC no frequency). This sequence change replaces glutamic acid with glycine at codon 428 of the RET protein (p.Glu428Gly). The glutamic acid residue is highly conserved and there is a moderate physicochemical difference between glutamic acid and glycine. In summary, the available evidence is currently insufficient to determine the role of this variant in disease. Therefore, it has been classified as a Variant of Uncertain Significance.